The following is an entry in ClinVar:

NM_007194.4(CHEK2):c.533_534insGAAAGT (p.Lys179_Arg180insValLys)

Gene: CHEK2 (checkpoint kinase 2; minus strand). Cytogenetic location: 22q12.1.
Variant type: Insertion.
Coding change: c.533_534insGAAAGT on transcript NM_007194.4 (MANE Select); coding-DNA positions 533 to 534, GAAAGT inserted.
Protein change: p.Lys179_Arg180insValLys.
Molecular consequence: inframe insertion. On other transcripts: 5 prime UTR variant (2), intron variant (1).
Genome position: GRCh38 VCF-style: chr22-28725035-T-TACTTTC. GRCh37 (hg19) VCF-style: chr22-29121023-T-TACTTTC.
Other names: c.662_663insGAAAGT, p.Lys222_Arg223insValLys (NM_001005735.3, NM_001438294.1); c.-245_-244insGAAAGT (NM_001257387.3); c.-131_-130insGAAAGT (NM_001437942.1); c.626_627insGAAAGT, p.Lys210_Arg211insValLys (NM_001438293.1, NM_001438295.1); c.533_534insGAAAGT, p.Lys179_Arg180insValLys (NM_145862.3); c.445-113_445-112insGAAAGT (NM_001349956.3).
Identifiers: ClinVar variation 2827101 (VCV002827101.3), dbSNP rs2518051968, ClinGen allele CA2739265665.

ClinVar aggregate classification (germline): Uncertain significance (1 of 4 stars; one submission).

Conditions:
Familial cancer of breast. Also called: Hereditary breast cancer; BREAST CANCER, FAMILIAL; hereditary breast carcinoma. Identifiers: Orphanet 227535, MedGen C0346153, MONDO:0016419, OMIM 114480. Disease mechanism: loss of function.

Submission:

Labcorp Genetics (formerly Invitae), Labcorp
Classification: Uncertain significance for Familial cancer of breast. Last evaluated: 2023-01-08. Review status: criteria provided, single submitter. Criteria: Invitae Variant Classification Sherloc (09022015). Collection method: clinical testing. Allele origin: germline.
Comment: This variant has not been reported in the literature in individuals affected with CHEK2-related conditions. In summary, the available evidence is currently insufficient to determine the role of this variant in disease. Therefore, it has been classified as a Variant of Uncertain Significance. Experimental studies and prediction algorithms are not available or were not evaluated, and the functional significance of this variant is currently unknown. This variant is not present in population databases (gnomAD no frequency). This variant, c.533_534insGAAAGT, results in the insertion of 2 amino acid(s) of the CHEK2 protein (p.Lys179_Arg180insValLys), but otherwise preserves the integrity of the reading frame.